The following is an entry in ClinVar:

NM_004415.4(DSP):c.273+1G>A

Gene: DSP (desmoplakin; plus strand). Cytogenetic location: 6p24.3.
Variant type: single nucleotide variant.
Coding change: c.273+1G>A on transcript NM_004415.4 (MANE Select); the canonical splice donor site of the intron after coding-DNA position 273, G replaced by A.
Molecular consequence: splice donor variant.
Genome position (GRCh38, 1-based): chr6:7,555,821, G>A. VCF-style: chr6-7555821-G-A. GRCh37 (hg19) VCF-style: chr6-7556054-G-A.
Other names: c.273+1G>A (NM_001319034.2, NM_001008844.3, NM_001406591.1).
Identifiers: ClinVar variation 199847 (VCV000199847.14), dbSNP rs794728106, ClinGen allele CA005529.
Genomic context (GRCh38, chr6:7,555,821, plus strand): 5'-CAGGAGCTGCTGCAGAACTGCTCCGACTGCTTGATGCGAGCAGAGCTCATCGTGCAGCCT[G>A]TAAGCTTTCCCTGTTCCCATCGCTTCTCCCAAAGCCTTGGCCACACCCGACTGTCCTCTG-3'

ClinVar aggregate classification (germline): Pathogenic/Likely pathogenic. Review status: criteria provided, multiple submitters, no conflicts (2 of 4 stars). 4 submissions from 4 submitters: Pathogenic (1); Likely pathogenic (3). Last evaluated 2025-05-22.

Conditions:
Cardiomyopathy (CMYO). Also called: Cardiomyopathies. Identifiers: Orphanet 167848, MedGen C0878544, MONDO:0004994, HP:0001638. Inheritance: Various modes of inheritance.
Arrhythmogenic cardiomyopathy with wooly hair and keratoderma. Also called: Carvajal syndrome; Dilated cardiomyopathy with woolly hair and keratoderma; Arrhythmogenic cardiomyopathy with woolly hair and keratoderma; PALMOPLANTAR KERATODERMA WITH LEFT VENTRICULAR CARDIOMYOPATHY AND WOOLLY HAIR. Identifiers: Orphanet 65282, MedGen C1854063, MONDO:0011581, OMIM 605676.
Arrhythmogenic right ventricular dysplasia 8 (ARVD8). Also called: Arrhythmogenic Right Ventricular Dysplasia/Cardiomyopathy 8; ARRHYTHMOGENIC RIGHT VENTRICULAR CARDIOMYOPATHY 8; ARRHYTHMOGENIC RIGHT VENTRICULAR DYSPLASIA, FAMILIAL, 8. Identifiers: MedGen C1843896, MONDO:0011831, OMIM 607450.

Allele frequency attached by ClinVar (database versions not stated): gnomAD exomes below 0.00001.
gnomAD v4.1: 1 of 1,613,500 alleles (0.000062%); highest among the groups gnomAD compares: Non-Finnish European, 0.000085%; no homozygotes.

Submissions (4):

Labcorp Genetics (formerly Invitae), Labcorp
Classification: Likely pathogenic for Arrhythmogenic cardiomyopathy with wooly hair and keratoderma; Arrhythmogenic right ventricular dysplasia 8. Last evaluated: 2025-05-22. Review status: criteria provided, single submitter. Criteria: Invitae Variant Classification Sherloc (09022015). Collection method: clinical testing. Allele origin: germline.
Comment: This sequence change affects a donor splice site in intron 2 of the DSP gene. It is expected to disrupt RNA splicing. Variants that disrupt the donor or acceptor splice site typically lead to a loss of protein function (PMID: 16199547), and loss-of-function variants in DSP are known to be pathogenic (PMID: 20716751, 24503780, 25227139). This variant is not present in population databases (gnomAD no frequency). Disruption of this splice site has been observed in individual(s) with DSP-related conditions (PMID: 38254962). ClinVar contains an entry for this variant (Variation ID: 199847). Algorithms developed to predict the effect of sequence changes on RNA splicing suggest that this variant may disrupt the consensus splice site. In summary, the currently available evidence indicates that the variant is pathogenic, but additional data are needed to prove that conclusively. Therefore, this variant has been classified as Likely Pathogenic.

GeneDx
Classification: Pathogenic. Last evaluated: 2025-04-15. Review status: criteria provided, single submitter. Criteria: GeneDx Variant Classification Process June 2021. Collection method: clinical testing. Allele origin: germline. Affected: yes.
Comment: Canonical splice site variant in a gene for which loss-of-function is a known mechanism of disease; Not observed at significant frequency in large population cohorts (gnomAD); Has not been previously published as pathogenic or benign to our knowledge

Color Diagnostics, LLC DBA Color Health
Classification: Likely pathogenic for Cardiomyopathy. Last evaluated: 2024-03-19. Review status: criteria provided, single submitter. Criteria: ACMG Guidelines, 2015. Collection method: clinical testing. Allele origin: germline.
Comment: This variant causes a G to A nucleotide substitution at the +1 position of intron 2 of the DSP gene. Splice site prediction tools predict that this variant may have a significant impact on RNA splicing. Although this prediction has not been confirmed in published RNA studies, this variant is expected to result in an absent or disrupted protein product. There are multiple in-frame methionines in exons 3 and 4 prior to a known functional domain, and it is unknown if any of these methionines may serve as alternate translation initiation site, thereby potentially mitigating the effect of this c.273+1G>A variant. To our knowledge, this variant has not been reported in individuals affected with cardiovascular disorders in the literature. This variant has not been identified in the general population by the Genome Aggregation Database (gnomAD). Loss of DSP function is a known mechanism of disease. Based on the available evidence, this variant is classified as Likely Pathogenic.

All of Us Research Program, National Institutes of Health
Classification: Likely pathogenic for Arrhythmogenic cardiomyopathy with wooly hair and keratoderma. Last evaluated: 2024-01-08. Review status: criteria provided, single submitter. Criteria: ACMG Guidelines, 2015. Collection method: clinical testing. Allele origin: germline. Inheritance: Autosomal dominant inheritance. Observed: 1 variant allele, 1 heterozygote.
Comment: This variant causes a G to A nucleotide substitution at the +1 position of intron 2 of the DSP gene. Splice site prediction tools predict that this variant may have a significant impact on RNA splicing. Although this prediction has not been confirmed in published RNA studies, this variant is expected to result in an absent or disrupted protein product. There are multiple in-frame methionines in exons 3 and 4 prior to a known functional domain, and it is unknown if any of these methionines may serve as alternate translation initiation site, thereby potentially mitigating the effect of this c.273+1G>A variant. To our knowledge, this variant has not been reported in individuals affected with cardiovascular disorders in the literature. This variant has not been identified in the general population by the Genome Aggregation Database (gnomAD). Loss of DSP function is a known mechanism of disease. Based on the available evidence, this variant is classified as Likely Pathogenic.

This study involves interpretation of variants in research participants for the purpose of population health screening. Participant phenotype was not available at the time of variant classification. Additional details can be found in publication PMID: 35346344, PMCID: PMC8962531

Literature cited by the submitters: PubMed 16199547 (cited by Labcorp Genetics (formerly Invitae), Labcorp); PubMed 20716751 (cited by Labcorp Genetics (formerly Invitae), Labcorp); PubMed 24503780 (cited by Labcorp Genetics (formerly Invitae), Labcorp); PubMed 25227139 (cited by Labcorp Genetics (formerly Invitae), Labcorp); PubMed 38254962 (cited by Labcorp Genetics (formerly Invitae), Labcorp).